The following is an entry in ClinVar:

NM_005802.5(TOPORS):c.2708G>A (p.Arg903His)

Gene: TOPORS (TOP1 binding arginine/serine rich protein, E3 ubiquitin ligase; minus strand). Cytogenetic location: 9p21.1.
Variant type: single nucleotide variant.
Coding change: c.2708G>A on transcript NM_005802.5 (MANE Select); coding-DNA position 2708, G replaced by A.
Protein change: p.Arg903His; replaces arginine 903 with histidine.
Molecular consequence: missense variant.
Genome position (GRCh38, 1-based): chr9:32,541,817, C>T on the plus strand (G>A on the coding strand, the complement: TOPORS is on the minus strand). VCF-style: chr9-32541817-C-T. GRCh37 (hg19) VCF-style: chr9-32541815-C-T.
Other names: c.2513G>A, p.Arg838His (NM_001195622.2); c.2708G>A (NM_005802.4); short protein forms R903H, R838H.
Identifiers: ClinVar variation 1487796 (VCV001487796.10), dbSNP rs371709773, ClinGen allele CA5020317.

ClinVar aggregate classification (germline): Conflicting classifications of pathogenicity. Review status: criteria provided, conflicting classifications (1 of 4 stars). 3 submissions from 3 submitters: Uncertain significance (2); Likely benign (1). Last evaluated 2026-02-03.

Conditions:
Inborn genetic diseases. Identifiers: MedGen C0950123, MeSH D030342.

Allele frequency attached by ClinVar (database versions not stated): gnomAD 0.00001; gnomAD exomes 0.00001 and 0.00002; ExAC 0.00002; TOPMed 0.00003; ESP Exome Variant Server 0.00008.

Submissions (3):

Labcorp Genetics (formerly Invitae), Labcorp
Classification: Uncertain significance. Last evaluated: 2026-02-03. Review status: criteria provided, single submitter. Criteria: Invitae Variant Classification Sherloc (09022015). Collection method: clinical testing. Allele origin: germline.
Comment: This sequence change replaces arginine, which is basic and polar, with histidine, which is basic and polar, at codon 903 of the TOPORS protein (p.Arg903His). This variant is present in population databases (rs371709773, gnomAD 0.007%). This variant has not been reported in the literature in individuals affected with TOPORS-related conditions. ClinVar contains an entry for this variant (Variation ID: 1487796). An algorithm developed to predict the effect of missense changes on protein structure and function outputs the following: PolyPhen-2: "Not Available". The histidine amino acid residue is found in multiple mammalian species, which suggests that this missense change does not adversely affect protein function. In summary, the available evidence is currently insufficient to determine the role of this variant in disease. Therefore, it has been classified as a Variant of Uncertain Significance.

Ambry Genetics
Classification: Uncertain significance for Inborn genetic diseases. Last evaluated: 2025-08-11. Review status: criteria provided, single submitter. Criteria: Ambry Variant Classification Scheme 2023. Collection method: clinical testing. Allele origin: germline.

Blueprint Genetics
Classification: Likely benign. Last evaluated: 2024-10-26. Review status: criteria provided, single submitter. Criteria: ACMG Guidelines, 2015. Collection method: clinical testing. Allele origin: germline.